The following is an entry in ClinVar:

ClinVar aggregate classification (germline): Uncertain significance. Review status: criteria provided, multiple submitters, no conflicts (2 of 4 stars). 2 submissions from 2 submitters: Uncertain significance (2). Last evaluated 2023-05-18.

Conditions:
Centromeric instability of chromosomes 1,9 and 16 and immunodeficiency (ICF1). Also called: Immunodeficiency-centromeric instability-facial anomalies; IMMUNE DEFICIENCY, VARIABLE, WITH CENTROMERIC INSTABILITY OF CHROMOSOMES 1, 9, AND 16; IMMUNODEFICIENCY SYNDROME, VARIABLE; CENTROMERIC INSTABILITY, IMMUNODEFICIENCY SYNDROME. Identifiers: Orphanet 2268, MedGen C0398788, MONDO:0000133.
Inborn genetic diseases. Identifiers: MedGen C0950123, MeSH D030342.

Allele frequency attached by ClinVar (database versions not stated): gnomAD exomes below 0.00001; gnomAD 0.00001.

Submissions (2):

Ambry Genetics
Classification: Uncertain significance for Inborn genetic diseases. Last evaluated: 2023-05-18. Review status: criteria provided, single submitter. Criteria: Ambry Variant Classification Scheme 2023. Collection method: clinical testing. Allele origin: germline.

Labcorp Genetics (formerly Invitae), Labcorp
Classification: Uncertain significance for Centromeric instability of chromosomes 1,9 and 16 and immunodeficiency. Last evaluated: 2021-11-08. Review status: criteria provided, single submitter. Criteria: Invitae Variant Classification Sherloc (09022015). Collection method: clinical testing. Allele origin: germline.
Comment: This sequence change replaces tyrosine, which is neutral and polar, with cysteine, which is neutral and slightly polar, at codon 469 of the DNMT3B protein (p.Tyr469Cys). This variant is present in population databases (no rsID available, gnomAD 0.002%). This variant has not been reported in the literature in individuals affected with DNMT3B-related conditions. Algorithms developed to predict the effect of missense changes on protein structure and function (SIFT, PolyPhen-2, Align-GVGD) all suggest that this variant is likely to be disruptive. In summary, the available evidence is currently insufficient to determine the role of this variant in disease. Therefore, it has been classified as a Variant of Uncertain Significance.

NM_006892.4(DNMT3B):c.1406A>G (p.Tyr469Cys)

Gene: DNMT3B (DNA methyltransferase 3 beta; plus strand). Cytogenetic location: 20q11.21.
Variant type: single nucleotide variant.
Coding change: c.1406A>G on transcript NM_006892.4 (MANE Select); coding-DNA position 1406, A replaced by G.
Protein change: p.Tyr469Cys; replaces tyrosine 469 with cysteine.
Molecular consequence: missense variant.
Genome position (GRCh38, 1-based): chr20:32,797,215, A>G. VCF-style: chr20-32797215-A-G. GRCh37 (hg19) VCF-style: chr20-31385021-A-G.
Other names: c.1406A>G (NM_006892.3); c.1346A>G, p.Tyr449Cys (NM_175848.2, NM_175849.2); c.1382A>G, p.Tyr461Cys (NM_175850.3); c.1220A>G, p.Tyr407Cys (NM_001207055.2); c.1118A>G, p.Tyr373Cys (NM_001207056.2); short protein forms Y449C, Y373C, Y407C, Y461C, Y469C.
Identifiers: ClinVar variation 1473065 (VCV001473065.4), dbSNP rs1456216460, ClinGen allele CA408585960.